The following is an entry in ClinVar:

ClinVar aggregate classification (germline): Uncertain significance (1 of 4 stars; one submission).

Conditions:
Hereditary cancer-predisposing syndrome. Also called: Hereditary Cancer Syndrome; Hereditary neoplastic syndrome; Tumor predisposition; Neoplastic Syndromes, Hereditary. Identifiers: Orphanet 140162, MedGen C0027672, MeSH D009386, MONDO:0015356.

Submission:

Ambry Genetics
Classification: Uncertain significance for Hereditary cancer-predisposing syndrome. Last evaluated: 2023-01-17. Review status: criteria provided, single submitter. Criteria: Ambry Variant Classification Scheme 2023. Collection method: clinical testing. Allele origin: germline.
Comment: The p.G770V variant (also known as c.2309G>T), located in coding exon 4 of the MSH6 gene, results from a G to T substitution at nucleotide position 2309. The glycine at codon 770 is replaced by valine, an amino acid with dissimilar properties. This amino acid position is highly conserved in available vertebrate species. In addition, this alteration is predicted to be deleterious by in silico analysis. Since supporting evidence is limited at this time, the clinical significance of this alteration remains unclear.

NM_000179.3(MSH6):c.2309G>T (p.Gly770Val)

Gene: MSH6 (mutS homolog 6; plus strand). Cytogenetic location: 2p16.3.
Variant type: single nucleotide variant.
Coding change: c.2309G>T on transcript NM_000179.3 (MANE Select); coding-DNA position 2309, G replaced by T.
Protein change: p.Gly770Val; replaces glycine 770 with valine.
Molecular consequence: missense variant.
Genome position (GRCh38, 1-based): chr2:47,800,292, G>T. VCF-style: chr2-47800292-G-T. GRCh37 (hg19) VCF-style: chr2-48027431-G-T.
Other names: c.1919G>T, p.Gly640Val (NM_001281492.2); c.1403G>T, p.Gly468Val (NM_001281493.2, NM_001281494.2, NM_001406811.1 and 6 more transcripts); c.2405G>T, p.Gly802Val (NM_001406795.1, NM_001406802.1); c.2309G>T, p.Gly770Val (NM_001406796.1, NM_001406798.1, NM_001406800.1 and 2 more transcripts); c.2012G>T, p.Gly671Val (NM_001406797.1, NM_001406801.1, NM_001406805.1 and 10 more transcripts); c.1784G>T, p.Gly595Val (NM_001406799.1, NM_001406806.1, NM_001406807.1); c.2231G>T, p.Gly744Val (NM_001406804.1); c.2315G>T, p.Gly772Val (NM_001406813.1); and 1 more; short protein forms G640V, G714V, G802V, G671V, G772V, G595V, G744V, G468V.
Identifiers: ClinVar variation 1789397 (VCV001789397.3), dbSNP rs587781478, ClinGen allele CA346753117.
Genomic context (GRCh38, chr2:47,800,292, plus strand): 5'-CAAATGGTTCTACTGAAGGAACCCTACTAGAGAGGGTTGATACTTGCCATACTCCTTTTG[G>T]TAAGCGGCTCCTAAAGCAATGGCTTTGTGCCCCACTCTGTAACCATTATGCTATTAATGA-3'
Protein context (NP_000170.1, residues 760-780): ERVDTCHTPF[Gly770Val]KRLLKQWLCA